The following is an entry in ClinVar:

NM_000256.3(MYBPC3):c.2920C>T (p.Gln974Ter)

Gene: MYBPC3 (myosin binding protein C3; minus strand). Cytogenetic location: 11p11.2.
Variant type: single nucleotide variant.
Coding change: c.2920C>T on transcript NM_000256.3 (MANE Select); coding-DNA position 2920, C replaced by T.
Protein change: p.Gln974Ter; replaces glutamine 974 with a stop codon.
Molecular consequence: nonsense.
Genome position (GRCh38, 1-based): chr11:47,333,996, G>A on the plus strand (C>T on the coding strand, the complement: MYBPC3 is on the minus strand). VCF-style: chr11-47333996-G-A. GRCh37 (hg19) VCF-style: chr11-47355547-G-A.
Other names: short protein forms Q974*.
Identifiers: ClinVar variation 164055 (VCV000164055.13), dbSNP rs727503180, ClinGen allele CA013195.

ClinVar aggregate classification (germline): Pathogenic. Review status: criteria provided, multiple submitters, no conflicts (2 of 4 stars). 5 submissions from 5 submitters: Pathogenic (5). Last evaluated 2025-08-13.

Conditions:
Cardiovascular phenotype. Identifiers: MedGen CN230736.
Cardiomyopathy (CMYO). Also called: Cardiomyopathies. Identifiers: Orphanet 167848, MedGen C0878544, MONDO:0004994, HP:0001638. Inheritance: Various modes of inheritance.
Hypertrophic cardiomyopathy. Also called: HYPERTROPHIC MYOCARDIOPATHY. Identifiers: Orphanet 217569, MedGen C0007194, MeSH D002312, MONDO:0005045, HP:0001639.

Submissions (5):

Ambry Genetics
Classification: Pathogenic for Cardiovascular phenotype. Last evaluated: 2025-08-13. Review status: criteria provided, single submitter. Criteria: Ambry Variant Classification Scheme 2023. Collection method: clinical testing. Allele origin: germline.
Comment: The p.Q974* pathogenic mutation (also known as c.2920C>T), located in coding exon 28 of the MYBPC3 gene, results from a C to T substitution at nucleotide position 2920. This changes the amino acid from a glutamine to a stop codon within coding exon 28. This variant was reported in individual(s) with features consistent with hypertrophic cardiomyopathy (Alfares AA et al. Genet Med, 2015 Nov;17:880-8; Adler A et al. Circ Arrhythm Electrophysiol, 2016 Jan;9:e003440; Ambry internal data). This variant is considered to be rare based on population cohorts in the Genome Aggregation Database (gnomAD). This alteration is expected to result in loss of function by premature protein truncation or nonsense-mediated mRNA decay. As such, this alteration is interpreted as a disease-causing mutation.

Molecular Diagnostic Laboratory for Inherited Cardiovascular Disease, Montreal Heart Institute
Classification: Pathogenic for Cardiovascular phenotype. Last evaluated: 2024-03-27. Review status: criteria provided, single submitter. Criteria: ACMG Guidelines, 2015. Collection method: clinical testing. Allele origin: germline. Affected: yes.
Comment: PVS1;PM2;PS4_supp;PP5

CHEO Genetics Diagnostic Laboratory, Children's Hospital of Eastern Ontario
Classification: Pathogenic for Cardiomyopathy. Last evaluated: 2022-12-14. Review status: criteria provided, single submitter. Criteria: ACMG Guidelines, 2015. Collection method: clinical testing. Allele origin: germline.

GeneDx
Classification: Pathogenic. Last evaluated: 2015-07-09. Review status: criteria provided, single submitter. Criteria: GeneDx Variant Classification (06012015). Collection method: clinical testing. Allele origin: germline. Affected: yes.
Comment: The Q974X variant in the MYBPC3 gene has not been published as a pathogenic variant or as a benign polymorphism to our knowledge but has been reported as a pathogenic variant by two clinical laboratories (Landrum et al., 2014). Q974X is predicted to cause loss of normal protein function either by protein truncation or nonsense-mediated mRNA decay. Other nonsense variants in the MYBPC3 gene have been reported in HGMD in association with HCM(Stenson P et al., 2014). Furthermore, the Q974X variant was not observed in approximately 6,000 individuals of European and African American ancestry in the NHLBI Exome Sequencing Project, indicating it is not a common benign variant in these populations. Therefore we interpret this variant as pathogenic.

Laboratory for Molecular Medicine, Mass General Brigham Personalized Medicine
Classification: Pathogenic for Hypertrophic cardiomyopathy. Last evaluated: 2013-04-30. Review status: criteria provided, single submitter. Criteria: LMM Criteria. Collection method: clinical testing. Allele origin: germline. Inheritance: Autosomal dominant inheritance. Observed: 3 variant alleles.
Comment: The Gln974X variant has been identified by our laboratory in 2 Caucasian individ uals with HCM (LMM unpublished data). This nonsense variant leads to a premature termination codon at position 974, which is predicted to lead to a truncated or absent protein. Truncating variants in MYBPC3 are a recognized pathogenic mecha nism for HCM. In summary, this variant meets our criteria to be classified as pa thogenic based upon the predicted impact to the protein.

Literature cited by the submitters: PubMed 25611685 (cited by Ambry Genetics); PubMed 26743238 (cited by Ambry Genetics).